The following is an entry in ClinVar:

ClinVar aggregate classification (germline): Likely pathogenic (1 of 4 stars; one submission).

Conditions:
Autosomal recessive limb-girdle muscular dystrophy type 2J (LGMDR10). Also called: Limb-girdle muscular dystrophy, type 2J; MUSCULAR DYSTROPHY, LIMB-GIRDLE, AUTOSOMAL RECESSIVE 10. Identifiers: Orphanet 140922, MedGen C1837342, MONDO:0012127, OMIM 608807.
Dilated cardiomyopathy 1G (CMD1G). Identifiers: Orphanet 154, MedGen C1858763, MONDO:0011400, OMIM 604145.

Submission:

Labcorp Genetics (formerly Invitae), Labcorp
Classification: Likely pathogenic for Dilated cardiomyopathy 1G; Autosomal recessive limb-girdle muscular dystrophy type 2J. Last evaluated: 2025-05-13. Review status: criteria provided, single submitter. Criteria: Invitae Variant Classification Sherloc (09022015). Collection method: clinical testing. Allele origin: germline.
Comment: This sequence change creates a premature translational stop signal (p.Trp3853Cysfs*8) in the TTN gene. While this is not anticipated to result in nonsense mediated decay, it is expected to create a truncated TTN protein. This variant is not present in population databases (gnomAD no frequency). This variant has not been reported in the literature in individuals affected with TTN-related conditions. This variant is located in the I band of TTN (PMID: 25589632). Truncating variants in this region have been reported in individuals affected with autosomal recessive centronuclear myopathy (PMID: 23975875, internal data). Truncating variants in this region have also been identified in individuals affected with autosomal dominant dilated cardiomyopathy and/or cardio-related conditions (PMID: 27869827, 32964742, internal data). In summary, the currently available evidence indicates that the variant is pathogenic, but additional data are needed to prove that conclusively. Therefore, this variant has been classified as Likely Pathogenic.

Literature cited by the submitters: PubMed 25589632; PubMed 23975875; PubMed 27869827; PubMed 32964742.

NM_001267550.2(TTN):c.11559del (p.Trp3853fs)

Gene: TTN (titin; minus strand). Cytogenetic location: 2q31.2.
Variant type: Deletion.
Coding change: c.11559del on transcript NM_001267550.2 (MANE Select); coding-DNA position 11559, one base deleted (G; older notation c.11559delG).
Protein change: p.Trp3853fs; shifts the reading frame from tryptophan 3853.
Molecular consequence: frameshift variant. On other transcripts: intron variant (1).
Genome position (GRCh38, 1-based): chr2:178,741,674, C deleted on the plus strand (G on the coding strand, the reverse complement: TTN is on the minus strand); the first of 2 consecutive C bases (chr2:178,741,674-178,741,675); deleting either gives the same sequence. VCF-style (leftmost placement, unchanged base first): chr2-178741673-AC-A. GRCh37 (hg19) VCF-style: chr2-179606400-AC-A.
Other names: c.10608del, p.Trp3536fs (NM_001256850.1); c.10470del, p.Trp3490fs (NM_003319.4); c.10845del, p.Trp3615fs (NM_133432.3); c.11046del, p.Trp3682fs (NM_133437.4); c.10361-3314del (NM_133378.4); short protein forms W3536fs, W3682fs, W3490fs, W3615fs, W3853fs.
Identifiers: ClinVar variation 4784996 (VCV004784996.1).